The following is an entry in ClinVar:

ClinVar aggregate classification (germline): Uncertain significance. Review status: criteria provided, multiple submitters, no conflicts (2 of 4 stars). 2 submissions from 2 submitters: Uncertain significance (2). Last evaluated 2024-02-29.

Conditions:
Microvascular complications of diabetes, susceptibility to, 3. Identifiers: MedGen C2675470, MONDO:0012963, OMIM 612624.
Hemorrhage, intracerebral, susceptibility to (ICH). Also called: Stroke, hemorrhagic, susceptibility to. Identifiers: MedGen C3281105, MONDO:0100533, OMIM 614519.
Renal tubular dysgenesis of genetic origin. Also called: PRIMITIVE RENAL TUBULE SYNDROME. Identifiers: Orphanet 97369, MedGen C5681536, MONDO:0009970, OMIM 267430.

gnomAD v4.1: 13 of 1,449,462 alleles (0.0009%); highest among the groups gnomAD compares: Non-Finnish European, 0.0012%; no homozygotes.

Submissions (2):

Fulgent Genetics
Classification: Uncertain significance for Renal tubular dysgenesis of genetic origin; Microvascular complications of diabetes, susceptibility to, 3; Hemorrhage, intracerebral, susceptibility to. Last evaluated: 2024-02-29. Review status: criteria provided, single submitter. Criteria: ACMG Guidelines, 2015. Collection method: clinical testing. Allele origin: germline.

Labcorp Genetics (formerly Invitae), Labcorp
Classification: Uncertain significance. Last evaluated: 2022-03-31. Review status: criteria provided, single submitter. Criteria: Invitae Variant Classification Sherloc (09022015). Collection method: clinical testing. Allele origin: germline.
Comment: In summary, the available evidence is currently insufficient to determine the role of this variant in disease. Therefore, it has been classified as a Variant of Uncertain Significance. Algorithms developed to predict the effect of missense changes on protein structure and function are either unavailable or do not agree on the potential impact of this missense change (SIFT: "Deleterious"; PolyPhen-2: "Benign"; Align-GVGD: "Class C0"). This variant has not been reported in the literature in individuals affected with ACE-related conditions. This variant is not present in population databases (gnomAD no frequency). This sequence change replaces proline, which is neutral and non-polar, with alanine, which is neutral and non-polar, at codon 23 of the ACE protein (p.Pro23Ala).

NM_000789.4(ACE):c.67C>G (p.Pro23Ala)

Gene: ACE (angiotensin I converting enzyme; plus strand). Cytogenetic location: 17q23.3.
Variant type: single nucleotide variant.
Coding change: c.67C>G on transcript NM_000789.4 (MANE Select); coding-DNA position 67, C replaced by G.
Protein change: p.Pro23Ala; replaces proline 23 with alanine.
Molecular consequence: missense variant. On other transcripts: 5 prime UTR variant (2).
Genome position (GRCh38, 1-based): chr17:63,477,161, C>G. VCF-style: chr17-63477161-C-G. GRCh37 (hg19) VCF-style: chr17-61554522-C-G.
Other names: c.-169C>G (NM_001382700.1); c.-548C>G (NM_001382701.1); short protein forms P23A.
Identifiers: ClinVar variation 1900442 (VCV001900442.4), dbSNP rs1288779128, ClinGen allele CA400538478.